The following is an entry in ClinVar:

NM_054012.4(ASS1):c.566+2T>C

Gene: ASS1 (argininosuccinate synthase 1; plus strand). Cytogenetic location: 9q34.11.
Variant type: single nucleotide variant.
Coding change: c.566+2T>C on transcript NM_054012.4 (MANE Select); the canonical splice donor site of the intron after coding-DNA position 566, T replaced by C.
Molecular consequence: splice donor variant.
Genome position (GRCh38, 1-based): chr9:130,470,906, T>C. VCF-style: chr9-130470906-T-C. GRCh37 (hg19) VCF-style: chr9-133346293-T-C.
Other names: NC_000009.11:g.133346293T>C; c.566+2T>C (NM_000050.4).
Identifiers: ClinVar variation 4353084 (VCV004353084.2).
Genomic context (GRCh38, chr9:130,470,906, plus strand): 5'-CCCATCCCGGTCACTCCCAAGAACCCGTGGAGCATGGATGAGAACCTCATGCACATCAGG[T>C]AAATCCCACCCTCCACCCATCCTTGGTCCTCCCGGGCTCATTCCAAAGGACGGCCACGCG-3'

ClinVar aggregate classification (germline): Likely pathogenic (1 of 4 stars; one submission).

Conditions:
Citrullinemia type I (CTNL1). Also called: ASS DEFICIENCY; argininosuccinate synthetase deficiency. Identifiers: Orphanet 247525, MedGen C4721769, MONDO:0008988, OMIM 215700.

Submissions (2):

Natera, Inc.
Classification: Likely pathogenic for Citrullinemia type I. Last evaluated: 2025-09-08. Review status: criteria provided, single submitter. Criteria: Natera Variant Classification Schema (03/2026). Collection method: clinical testing. Allele origin: germline.
Comment: The c.566+2T>C variant in ASS1 is a canonical splice donor site variant predicted to affect pre-mRNA splicing, which may result in an abnormal transcript and altered protein product. This variant is expected to result in nonsense mediated decay, truncation, or a dysfunctional protein product. This variant is rare in the general population with a frequency below the threshold expected for the associated phenotype(s). Given the available evidence, this variant is classified as Likely Pathogenic.

Dr. Peter K. Rogan Lab, Western University
No classification provided (evidence only). Condition: Ovarian serous cystadenocarcinoma. Review status: no classification provided. Collection method: in vitro. Allele origin: not applicable. Functional consequence: retained intron. Not counted in ClinVar's aggregate classification.